The following is an entry in ClinVar:

NM_005996.4(TBX3):c.1153C>G (p.Arg385Gly)

Gene: TBX3 (T-box transcription factor 3; minus strand). Cytogenetic location: 12q24.21.
Variant type: single nucleotide variant.
Coding change: c.1153C>G on transcript NM_005996.4 (MANE Select); coding-DNA position 1153, C replaced by G.
Protein change: p.Arg385Gly; replaces arginine 385 with glycine.
Molecular consequence: missense variant.
Genome position (GRCh38, 1-based): chr12:114,674,722, G>C on the plus strand (C>G on the coding strand, the complement: TBX3 is on the minus strand). VCF-style: chr12-114674722-G-C. GRCh37 (hg19) VCF-style: chr12-115112527-G-C.
Other names: c.1213C>G (NM_016569.3); c.1213C>G, p.Arg405Gly (NM_016569.4); short protein forms R385G, R405G.
Identifiers: ClinVar variation 1971423 (VCV001971423.7), dbSNP rs370551433, ClinGen allele CA6809982.

ClinVar aggregate classification (germline): Uncertain significance. Review status: criteria provided, single submitter (1 of 4 stars). 2 submissions from 2 submitters: Uncertain significance (1). 1 of the submissions does not count toward it. Last evaluated 2024-07-22.

Conditions:
TBX3-related disorder. Also called: TBX3-related condition.
Ulnar-mammary syndrome (UMS). Also called: PALLISTER ULNAR-MAMMARY SYNDROME; SCHINZEL SYNDROME; Ulnar-mammary syndrome of Pallister. Identifiers: Orphanet 3138, MedGen C1866994, MONDO:0008411, OMIM 181450.

gnomAD v4.1: 73 of 1,601,170 alleles (0.0046%); highest among the groups gnomAD compares: South Asian, 0.059%; no homozygotes.

Submissions (2):

Labcorp Genetics (formerly Invitae), Labcorp
Classification: Uncertain significance for Ulnar-mammary syndrome. Last evaluated: 2024-07-22. Review status: criteria provided, single submitter. Criteria: Invitae Variant Classification Sherloc (09022015). Collection method: clinical testing. Allele origin: germline.
Comment: This sequence change replaces arginine, which is basic and polar, with glycine, which is neutral and non-polar, at codon 385 of the TBX3 protein (p.Arg385Gly). This variant is present in population databases (rs370551433, gnomAD 0.05%), and has an allele count higher than expected for a pathogenic variant. This variant has not been reported in the literature in individuals affected with TBX3-related conditions. ClinVar contains an entry for this variant (Variation ID: 1971423). An algorithm developed to predict the effect of missense changes on protein structure and function (PolyPhen-2) suggests that this variant is likely to be tolerated. In summary, the available evidence is currently insufficient to determine the role of this variant in disease. Therefore, it has been classified as a Variant of Uncertain Significance.

PreventionGenetics, part of Exact Sciences
Classification: Likely benign for TBX3-related condition. Last evaluated: 2023-01-11. Review status: no assertion criteria provided. Collection method: clinical testing. Allele origin: germline. Not counted in ClinVar's aggregate classification.
Comment: This variant is classified as likely benign based on ACMG/AMP sequence variant interpretation guidelines (Richards et al. 2015 PMID: 25741868, with internal and published modifications).